The following is an entry in ClinVar:

ClinVar aggregate classification (germline): Uncertain significance. Review status: criteria provided, multiple submitters, no conflicts (2 of 4 stars). 3 submissions from 3 submitters: Uncertain significance (3). Last evaluated 2025-10-07.

Conditions:
Inborn genetic diseases. Identifiers: MedGen C0950123, MeSH D030342.

Allele frequency attached by ClinVar (database versions not stated): TOPMed 0.00006; gnomAD 0.00011 and 0.00012; gnomAD exomes 0.00015; ExAC 0.00017.
gnomAD v4.1: 134 of 1,611,804 alleles (0.0083%); highest among the groups gnomAD compares: South Asian, 0.066%; 1 homozygote.

Submissions (3):

Ambry Genetics
Classification: Uncertain significance for Inborn genetic diseases. Last evaluated: 2025-10-07. Review status: criteria provided, single submitter. Criteria: Ambry Variant Classification Scheme 2023. Collection method: clinical testing. Allele origin: germline.

Blueprint Genetics
Classification: Uncertain significance. Last evaluated: 2024-10-22. Review status: criteria provided, single submitter. Criteria: ACMG Guidelines, 2015. Collection method: clinical testing. Allele origin: germline.

Labcorp Genetics (formerly Invitae), Labcorp
Classification: Uncertain significance. Last evaluated: 2022-10-13. Review status: criteria provided, single submitter. Criteria: Invitae Variant Classification Sherloc (09022015). Collection method: clinical testing. Allele origin: germline.
Comment: This sequence change replaces arginine, which is basic and polar, with histidine, which is basic and polar, at codon 488 of the ARHGEF18 protein (p.Arg488His). This variant is present in population databases (rs531419196, gnomAD 0.07%). This variant has not been reported in the literature in individuals affected with ARHGEF18-related conditions. ClinVar contains an entry for this variant (Variation ID: 1000725). Algorithms developed to predict the effect of missense changes on protein structure and function (SIFT, PolyPhen-2, Align-GVGD) all suggest that this variant is likely to be disruptive. In summary, the available evidence is currently insufficient to determine the role of this variant in disease. Therefore, it has been classified as a Variant of Uncertain Significance.

NM_001367823.1(ARHGEF18):c.2027G>A (p.Arg676His)

Gene: ARHGEF18 (Rho/Rac guanine nucleotide exchange factor 18; plus strand). Cytogenetic location: 19p13.2.
Variant type: single nucleotide variant.
Coding change: c.2027G>A on transcript NM_001367823.1 (MANE Select); coding-DNA position 2027, G replaced by A.
Protein change: p.Arg676His; replaces arginine 676 with histidine.
Molecular consequence: missense variant.
Genome position (GRCh38, 1-based): chr19:7,453,638, G>A. VCF-style: chr19-7453638-G-A. GRCh37 (hg19) VCF-style: chr19-7518524-G-A.
Other names: c.1463G>A (NM_001130955.1); c.1301G>A, p.Arg434His (NM_001130955.2); c.989G>A, p.Arg330His (NM_001367824.1, NM_015318.4); short protein forms R330H, R434H, R676H.
Identifiers: ClinVar variation 1000725 (VCV001000725.6), dbSNP rs531419196, ClinGen allele CA9136697.